The following is an entry in ClinVar:

ClinVar aggregate classification (germline): Conflicting classifications of pathogenicity. Review status: criteria provided, conflicting classifications (1 of 4 stars). 7 submissions from 7 submitters: Uncertain significance (5); Likely benign (1). 1 of the submissions does not count toward it. Last evaluated 2024-06-14.

Conditions:
Hereditary cancer-predisposing syndrome. Also called: Tumor predisposition; Hereditary neoplastic syndrome; Neoplastic Syndromes, Hereditary; Hereditary Cancer Syndrome. Identifiers: Orphanet 140162, MedGen C0027672, MeSH D009386, MONDO:0015356.
Hereditary breast ovarian cancer syndrome. Also called: Hereditary breast and ovarian cancer; Breast and ovarian cancer; Hereditary breast and ovarian cancer syndrome (HBOC); Hereditary breast and/or ovarian cancer syndrome; Hereditary breast and ovarian cancer syndrome; BRCA1- and BRCA2-Associated Hereditary Breast and Ovarian Cancer. Identifiers: Orphanet 145, MedGen C0677776, MeSH D061325, MONDO:0003582. Disease mechanism: loss of function.

Allele frequency attached by ClinVar (database versions not stated): gnomAD exomes below 0.00001.
gnomAD v4.1: 2 of 1,610,728 alleles (0.00012%); highest among the groups gnomAD compares: Non-Finnish European, 0.00017%; no homozygotes.

Submissions (7):

Color Diagnostics, LLC DBA Color Health
Classification: Uncertain significance for Hereditary cancer-predisposing syndrome. Last evaluated: 2024-06-14. Review status: criteria provided, single submitter. Criteria: ACMG Guidelines, 2015. Collection method: clinical testing. Allele origin: germline.
Comment: This missense variant replaces serine with glycine at codon 1744 of the BRCA2 protein. Computational prediction suggests that this variant may not impact protein structure and function (internally defined REVEL score threshold <= 0.5, PMID: 27666373). To our knowledge, functional studies have not been reported for this variant. This variant has not been reported in individuals affected with BRCA2-related disorders in the literature. This variant has not been identified in the general population by the Genome Aggregation Database (gnomAD). The available evidence is insufficient to determine the role of this variant in disease conclusively. Therefore, this variant is classified as a Variant of Uncertain Significance.

Labcorp Genetics (formerly Invitae), Labcorp
Classification: Uncertain significance for Hereditary breast ovarian cancer syndrome. Last evaluated: 2023-11-01. Review status: criteria provided, single submitter. Criteria: Invitae Variant Classification Sherloc (09022015). Collection method: clinical testing. Allele origin: germline.
Comment: This sequence change replaces serine, which is neutral and polar, with glycine, which is neutral and non-polar, at codon 1744 of the BRCA2 protein (p.Ser1744Gly). This variant is not present in population databases (gnomAD no frequency). This variant has not been reported in the literature in individuals affected with BRCA2-related conditions. ClinVar contains an entry for this variant (Variation ID: 133730). Advanced modeling of protein sequence and biophysical properties (such as structural, functional, and spatial information, amino acid conservation, physicochemical variation, residue mobility, and thermodynamic stability) performed at Invitae indicates that this missense variant is not expected to disrupt BRCA2 protein function with a negative predictive value of 95%. In summary, the available evidence is currently insufficient to determine the role of this variant in disease. Therefore, it has been classified as a Variant of Uncertain Significance.

Quest Diagnostics Nichols Institute San Juan Capistrano
Classification: Uncertain significance. Last evaluated: 2023-06-09. Review status: criteria provided, single submitter. Criteria: Quest Diagnostics criteria. Collection method: clinical testing. Allele origin: unknown.
Comment: In the published literature, the variant has been reported in healthy individuals (PMID: 24728327 (2014)). In addition, the variant has been identified in a study of BRCA1 and BRCA2 regions without essential functions that tolerate variation (PMID: 31911673 (2020)). This variant has not been reported in large, multi-ethnic general populations (Genome Aggregation Database). Analysis of this variant using bioinformatics tools for the prediction of the effect of amino acid changes on protein structure and function yielded predictions that this variant is benign. Based on the available information, we are unable to determine the clinical significance of this variant.

University of Washington Department of Laboratory Medicine, University of Washington
Classification: Likely benign for Hereditary cancer-predisposing syndrome. Last evaluated: 2023-03-23. Review status: criteria provided, single submitter. Criteria: Dines et al. (Genet Med. 2020). Collection method: curation. Allele origin: germline.
Comment: Missense variant in a coldspot region where missense variants are very unlikely to be pathogenic (PMID:31911673).

BRCA2 exon 11 coldspot. Reclassification based on statistical prior probability.

Sema4
Classification: Uncertain significance for Hereditary cancer-predisposing syndrome. Last evaluated: 2021-11-28. Review status: criteria provided, single submitter. Criteria: Sema4 Curation Guidelines. Collection method: curation. Allele origin: germline.
Comment: To the best of our knowledge, the BRCA2 c.5230A>G (p.S1744G) has not been reported in individuals with BRCA2-related disease. This variant is not reported in the population database Genome Aggregation Database (PMID: 32461654). This variant has been reported in ClinVar (Variation ID: 133730). Functional studies have not been performed, and in silico predictions of the variant's effect on protein function are inconclusive. The evidence is insufficient to meet ACMG/AMP criteria for classifying the variant as benign or pathogenic. Thus, the clinical significance of this variant is currently uncertain.

Ambry Genetics
Classification: Uncertain significance for Hereditary cancer-predisposing syndrome. Last evaluated: 2021-02-10. Review status: criteria provided, single submitter. Criteria: Ambry Variant Classification Scheme 2023. Collection method: clinical testing. Allele origin: germline.
Comment: The p.S1744G variant (also known as c.5230A>G), located in coding exon 10 of the BRCA2 gene, results from an A to G substitution at nucleotide position 5230. The serine at codon 1744 is replaced by glycine, an amino acid with similar properties. This amino acid position is not well conserved in available vertebrate species. In addition, this alteration is predicted to be tolerated by in silico analysis. Since supporting evidence is limited at this time, the clinical significance of this alteration remains unclear.

ITMI
No classification provided. Condition: AllHighlyPenetrant. Last evaluated: 2013-09-19. Review status: no classification provided. Collection method: reference population. Allele origin: germline. Not counted in ClinVar's aggregate classification.
Comment: Please see associated publication for description of ethnicities

Literature cited by the submitters: PubMed 31911673 (cited by Quest Diagnostics Nichols Institute San Juan Capistrano); PubMed 24728327 (cited by Quest Diagnostics Nichols Institute San Juan Capistrano and ITMI).

NM_000059.4(BRCA2):c.5230A>G (p.Ser1744Gly)

Gene: BRCA2 (BRCA2 DNA repair associated; plus strand). Cytogenetic location: 13q13.1.
Variant type: single nucleotide variant.
Coding change: c.5230A>G on transcript NM_000059.4 (MANE Select); coding-DNA position 5230, A replaced by G.
Protein change: p.Ser1744Gly; replaces serine 1744 with glycine.
Molecular consequence: missense variant.
Genome position (GRCh38, 1-based): chr13:32,339,585, A>G. VCF-style: chr13-32339585-A-G. GRCh37 (hg19) VCF-style: chr13-32913722-A-G.
Other names: short protein forms S1744G.
Identifiers: ClinVar variation 133730 (VCV000133730.20), dbSNP rs587778121, ClinGen allele CA021808.